The following is an entry in ClinVar:

ClinVar aggregate classification (germline): Likely benign. Review status: criteria provided, multiple submitters, no conflicts (2 of 4 stars). 3 submissions from 3 submitters: Likely benign (2). 1 of the submissions does not count toward it. Last evaluated 2025-08-03.

Conditions:
CR2-related disorder. Also called: CR2-related condition; CR2-related disorders.
Immunodeficiency, common variable, 7. Identifiers: Orphanet 1572, Orphanet 696894, MedGen C3542922, MONDO:0013862, OMIM 614699.

Allele frequency attached by ClinVar (database versions not stated): gnomAD exomes 0.00001; ExAC 0.00003; gnomAD 0.00012 and 0.00013; TOPMed 0.00014; 1000 Genomes Project 30x 0.00016; 1000 Genomes Project 0.00020; ESP Exome Variant Server 0.00023.
gnomAD v4.1: 40 of 1,613,778 alleles (0.0025%); highest among the groups gnomAD compares: African/African-American, 0.044%; no homozygotes.

Submissions (3):

Labcorp Genetics (formerly Invitae), Labcorp
Classification: Likely benign for Immunodeficiency, common variable, 7. Last evaluated: 2025-08-03. Review status: criteria provided, single submitter. Criteria: Invitae Variant Classification Sherloc (09022015). Collection method: clinical testing. Allele origin: germline.

Blueprint Genetics
Classification: Likely benign. Last evaluated: 2022-09-07. Review status: criteria provided, single submitter. Criteria: ACMG Guidelines, 2015. Collection method: clinical testing. Allele origin: germline.

PreventionGenetics, part of Exact Sciences
Classification: Likely benign for CR2-related condition. Last evaluated: 2019-06-06. Review status: no assertion criteria provided. Collection method: clinical testing. Allele origin: germline. Not counted in ClinVar's aggregate classification.
Comment: This variant is classified as likely benign based on ACMG/AMP sequence variant interpretation guidelines (Richards et al. 2015 PMID: 25741868, with internal and published modifications).

NM_001006658.3(CR2):c.1383C>G (p.Pro461=)

Gene: CR2 (complement C3d receptor 2; plus strand). Cytogenetic location: 1q32.2.
Variant type: single nucleotide variant.
Coding change: c.1383C>G on transcript NM_001006658.3 (MANE Select); coding-DNA position 1383, C replaced by G.
Protein change: p.Pro461=; no amino-acid change (proline 461 retained).
Molecular consequence: synonymous variant.
Genome position (GRCh38, 1-based): chr1:207,470,897, C>G. VCF-style: chr1-207470897-C-G. GRCh37 (hg19) VCF-style: chr1-207644242-C-G.
Other names: c.1383C>G (NM_001006658.2); c.1383C>G, p.Pro461= (NM_001877.5).
Identifiers: ClinVar variation 1633184 (VCV001633184.11), dbSNP rs150464766, ClinGen allele CA1368696.